The following is an entry in ClinVar:

NM_001376.5(DYNC1H1):c.11005A>G (p.Ile3669Val)

Gene: DYNC1H1 (dynein cytoplasmic 1 heavy chain 1; plus strand). Cytogenetic location: 14q32.31.
Variant type: single nucleotide variant.
Coding change: c.11005A>G on transcript NM_001376.5 (MANE Select); coding-DNA position 11005, A replaced by G.
Protein change: p.Ile3669Val; replaces isoleucine 3669 with valine.
Molecular consequence: missense variant.
Genome position (GRCh38, 1-based): chr14:102,038,556, A>G. VCF-style: chr14-102038556-A-G. GRCh37 (hg19) VCF-style: chr14-102504893-A-G.
Other names: short protein forms I3669V.
Identifiers: ClinVar variation 2083748 (VCV002083748.5), dbSNP rs953436026, ClinGen allele CA266973804.

ClinVar aggregate classification (germline): Uncertain significance. Review status: criteria provided, multiple submitters, no conflicts (2 of 4 stars). 2 submissions from 2 submitters: Uncertain significance (2). Last evaluated 2024-08-08.

Conditions:
Charcot-Marie-Tooth disease axonal type 2O. Also called: Charcot-Marie-Tooth disease, axonal, type 20; CHARCOT-MARIE-TOOTH NEUROPATHY, AXONAL, TYPE 2O; CHARCOT-MARIE-TOOTH DISEASE, AXONAL, AUTOSOMAL DOMINANT, TYPE 2O; Charcot-Marie-Tooth Neuropathy Type 2O. Identifiers: Orphanet 284232, MedGen C3280220, MONDO:0013644, OMIM 614228.
Inborn genetic diseases. Identifiers: MedGen C0950123, MeSH D030342.

Allele frequency attached by ClinVar (database versions not stated): gnomAD 0.00001; TOPMed 0.00002.
gnomAD v4.1: 2 of 1,614,120 alleles (0.00012%); highest among the groups gnomAD compares: Non-Finnish European, 0.000085%; no homozygotes.

Submissions (2):

Labcorp Genetics (formerly Invitae), Labcorp
Classification: Uncertain significance for Charcot-Marie-Tooth disease axonal type 2O. Last evaluated: 2024-08-08. Review status: criteria provided, single submitter. Criteria: Invitae Variant Classification Sherloc (09022015). Collection method: clinical testing. Allele origin: germline.
Comment: This sequence change replaces isoleucine, which is neutral and non-polar, with valine, which is neutral and non-polar, at codon 3669 of the DYNC1H1 protein (p.Ile3669Val). This variant is not present in population databases (gnomAD no frequency). This variant has not been reported in the literature in individuals affected with DYNC1H1-related conditions. ClinVar contains an entry for this variant (Variation ID: 2083748). Advanced modeling of protein sequence and biophysical properties (such as structural, functional, and spatial information, amino acid conservation, physicochemical variation, residue mobility, and thermodynamic stability) performed at Invitae indicates that this missense variant is not expected to disrupt DYNC1H1 protein function with a negative predictive value of 95%. In summary, the available evidence is currently insufficient to determine the role of this variant in disease. Therefore, it has been classified as a Variant of Uncertain Significance.

Ambry Genetics
Classification: Uncertain significance for Inborn genetic diseases. Last evaluated: 2024-07-07. Review status: criteria provided, single submitter. Criteria: Ambry Variant Classification Scheme 2023. Collection method: clinical testing. Allele origin: germline.